The following is an entry in ClinVar:

ClinVar aggregate classification (germline): Likely benign (1 of 4 stars; one submission).

gnomAD v4.1: 17 of 1,613,648 alleles (0.0011%); highest among the groups gnomAD compares: Admixed American, 0.028%; no homozygotes.

Submission:

CeGaT Center for Human Genetics Tuebingen
Classification: Likely benign. Last evaluated: 2026-07-01. Review status: criteria provided, single submitter. Criteria: CeGaT Center For Human Genetics Tuebingen Variant Classification Criteria Version 2. Collection method: clinical testing. Allele origin: germline. Affected: yes. Observed: 1 variant allele.
Comment: BAZ2B: BP4, BP7

NM_013450.4(BAZ2B):c.3819T>C (p.Asp1273=)

Gene: BAZ2B (bromodomain adjacent to zinc finger domain 2B; minus strand). Cytogenetic location: 2q24.2.
Variant type: single nucleotide variant.
Coding change: c.3819T>C on transcript NM_013450.4 (MANE Select); coding-DNA position 3819, T replaced by C.
Protein change: p.Asp1273=; no amino-acid change (aspartic acid 1273 retained).
Molecular consequence: synonymous variant.
Genome position (GRCh38, 1-based): chr2:159,382,745, A>G on the plus strand (T>C on the coding strand, the complement: BAZ2B is on the minus strand). VCF-style: chr2-159382745-A-G. GRCh37 (hg19) VCF-style: chr2-160239256-A-G.
Other names: c.3711T>C, p.Asp1237= (NM_001289975.1); c.3657T>C, p.Asp1219= (NM_001329857.2); c.3744T>C, p.Asp1248= (NM_001329858.2).
Identifiers: ClinVar variation 5039508 (VCV005039508.1).